The following is an entry in ClinVar:

NM_032119.4(ADGRV1):c.6727A>C (p.Ile2243Leu)

Gene: ADGRV1 (adhesion G protein-coupled receptor V1; plus strand). Cytogenetic location: 5q14.3.
Variant type: single nucleotide variant.
Coding change: c.6727A>C on transcript NM_032119.4 (MANE Select); coding-DNA position 6727, A replaced by C.
Protein change: p.Ile2243Leu; replaces isoleucine 2243 with leucine.
Molecular consequence: missense variant. On other transcripts: non-coding transcript variant (1).
Genome position (GRCh38, 1-based): chr5:90,690,817, A>C. VCF-style: chr5-90690817-A-C. GRCh37 (hg19) VCF-style: chr5-89986634-A-C.
Other names: c.6727A>C (NM_032119.3); short protein forms I2243L.
Identifiers: ClinVar variation 1498561 (VCV001498561.10), dbSNP rs184116434, ClinGen allele CA3339862.
Genomic context (GRCh38, chr5:90,690,817, plus strand): 5'-CTTTGTATTTGAAATGAACTCTGCTCTGTCTACCCTTCAGGTTTTCAGATTACTAAACTT[A>C]TTGTAGAGGAACCTGAGTTTAACTCAGTGAAGGTAAACCTGCCAATAATTCGAAATTCTG-3'
Protein context (NP_115495.3, residues 2233-2253): GLFGFQITKL[Ile2243Leu]VEEPEFNSVK

ClinVar aggregate classification (germline): Conflicting classifications of pathogenicity. Review status: criteria provided, conflicting classifications (1 of 4 stars). 5 submissions from 5 submitters: Uncertain significance (4); Likely benign (1). Last evaluated 2026-01-13.

Conditions:
Inborn genetic diseases. Identifiers: MedGen C0950123, MeSH D030342.

Allele frequency attached by ClinVar (database versions not stated): TOPMed 0.00003; gnomAD exomes 0.00005; ExAC 0.00007; ESP Exome Variant Server 0.00008; 1000 Genomes Project 30x 0.00016; 1000 Genomes Project 0.00020.
gnomAD v4.1: 41 of 1,597,258 alleles (0.0026%); highest among the groups gnomAD compares: Admixed American, 0.0088%; 1 homozygote.

Submissions (5):

Women's Health and Genetics/Laboratory Corporation of America, LabCorp
Classification: Uncertain significance. Last evaluated: 2026-01-13. Review status: criteria provided, single submitter. Criteria: LabCorp Variant Classification Summary - May 2015. Collection method: clinical testing. Allele origin: germline.
Comment: Variant summary: ADGRV1 c.6727A>C (p.Ile2243Leu) results in a conservative amino acid change in the encoded protein sequence. Algorithms developed to predict the effect of missense changes on protein structure and function are either unavailable or do not agree on the potential impact of this missense change. The variant allele was found at a frequency of 4.5e-05 in 221842 control chromosomes. This frequency is not significantly higher than estimated for disease-causing variants in ADGRV1, allowing no conclusion about variant significance. To our knowledge, no occurrence of c.6727A>C in individuals affected with ADGRV1-related conditions and no experimental evidence demonstrating its impact on protein function have been reported. ClinVar contains an entry for this variant (Variation ID: 1498561). Based on the evidence outlined above, the variant was classified as uncertain significance.

Labcorp Genetics (formerly Invitae), Labcorp
Classification: Likely benign. Last evaluated: 2025-07-23. Review status: criteria provided, single submitter. Criteria: Invitae Variant Classification Sherloc (09022015). Collection method: clinical testing. Allele origin: germline.

Ambry Genetics
Classification: Uncertain significance for Inborn genetic diseases. Last evaluated: 2025-04-30. Review status: criteria provided, single submitter. Criteria: Ambry Variant Classification Scheme 2023. Collection method: clinical testing. Allele origin: germline.

GeneDx
Classification: Uncertain significance. Last evaluated: 2024-08-06. Review status: criteria provided, single submitter. Criteria: GeneDx Variant Classification Process June 2021. Collection method: clinical testing. Allele origin: germline. Affected: yes.
Comment: In silico analysis indicates that this missense variant does not alter protein structure/function; Has not been previously published as pathogenic or benign to our knowledge

Blueprint Genetics
Classification: Uncertain significance. Last evaluated: 2022-10-26. Review status: criteria provided, single submitter. Criteria: ACMG Guidelines, 2015. Collection method: clinical testing. Allele origin: germline.